The following is an entry in ClinVar:

Conditions:
Breast-ovarian cancer, familial, susceptibility to, 1 (BROVCA1). Also called: BRCA1 Hereditary Breast and Ovarian Cancer; OVARIAN CANCER, SUSCEPTIBILITY TO. Identifiers: Orphanet 145, MedGen C2676676, MONDO:0011450, OMIM 604370. Disease mechanism: loss of function.

Submission:

Brotman Baty Institute, University of Washington
No classification provided (evidence only). Condition: Breast-ovarian cancer, familial 1. Review status: no classification provided. Collection method: in vitro. Allele origin: not applicable. Functional consequence: functionally_abnormal.
ClinVar note: "not provided" was previously submitted as the classification for the variant. However, the classification appeared to be based only on an observation of functional data so it was converted to no classification on 2025-07-30.

NM_007294.4(BRCA1):c.5048A>T (p.Glu1683Val)

Gene: BRCA1 (BRCA1 DNA repair associated; minus strand). Cytogenetic location: 17q21.31.
Variant type: single nucleotide variant.
Coding change: c.5048A>T on transcript NM_007294.4 (MANE Select); coding-DNA position 5048, A replaced by T.
Protein change: p.Glu1683Val; replaces glutamic acid 1683 with valine.
Molecular consequence: missense variant. On other transcripts: non-coding transcript variant (1).
Genome position (GRCh38, 1-based): chr17:43,067,634, T>A on the plus strand (A>T on the coding strand, the complement: BRCA1 is on the minus strand). VCF-style: chr17-43067634-T-A. GRCh37 (hg19) VCF-style: chr17-41219651-T-A.
Other names: c.1616A>T, p.Glu539Val (NM_001408427.1, NM_001408425.1, NM_001408426.1 and 4 more transcripts); c.1613A>T, p.Glu538Val (NM_001408438.1, NM_001408439.1, NM_001408440.1 and 10 more transcripts); c.1610A>T, p.Glu537Val (NM_001408445.1, NM_001408446.1, NM_001408447.1 and 2 more transcripts); c.1595A>T, p.Glu532Val (NM_001408458.1, NM_001408459.1, NM_001408460.1 and 7 more transcripts); c.1529A>T, p.Glu510Val (NM_001408479.1, NM_001408480.1, NM_001408478.1); c.1526A>T, p.Glu509Val (NM_001408481.1, NM_001408482.1, NM_001408483.1 and 5 more transcripts); c.1475A>T, p.Glu492Val (NM_001408501.1, NM_001408496.1, NM_001408497.1 and 3 more transcripts); c.1472A>T, p.Glu491Val (NM_001408502.1, NM_001408503.1, NM_001408504.1); and 70 more; short protein forms E1704V, E1683V, E1636V, E579V, E1514V, E1554V, E1595V, E1613V.
Identifiers: ClinVar variation 868562 (VCV000868562.3), dbSNP rs1597825787, ClinGen allele CA10591421.